The following is an entry in ClinVar:

NM_014727.3(KMT2B):c.4792C>G (p.Leu1598Val)

Gene: KMT2B (lysine methyltransferase 2B; plus strand). Cytogenetic location: 19q13.12.
Variant type: single nucleotide variant.
Coding change: c.4792C>G on transcript NM_014727.3 (MANE Select); coding-DNA position 4792, C replaced by G.
Protein change: p.Leu1598Val; replaces leucine 1598 with valine.
Molecular consequence: missense variant.
Genome position (GRCh38, 1-based): chr19:35,729,171, C>G. VCF-style: chr19-35729171-C-G. GRCh37 (hg19) VCF-style: chr19-36220072-C-G.
Other names: short protein forms L1598V.
Identifiers: ClinVar variation 3377653 (VCV003377653.1).

ClinVar aggregate classification (germline): Uncertain significance (1 of 4 stars; one submission).

Conditions:
Intellectual developmental disorder, autosomal dominant 68 (MRD68). Also called: MENTAL RETARDATION, AUTOSOMAL DOMINANT 68. Identifiers: MedGen C5677008, MONDO:0030969, OMIM 619934.

Submission:

Neuberg Centre For Genomic Medicine, NCGM
Classification: Uncertain significance for Intellectual developmental disorder, autosomal dominant 68. Last evaluated: 2023-06-22. Review status: criteria provided, single submitter. Criteria: ACMG Guidelines, 2015. Collection method: clinical testing. Allele origin: germline. Inheritance: Autosomal dominant inheritance. Affected: yes.
Comment: The missense variant c.4792C>G (p.Leu1598Val) in the KMT2B gene has not been reported previously as a pathogenic variant nor as a benign variant, to our knowledge. This variant is absent in the gnomAD Exomes. The amino acid Leu at position 1598 is changed to a Val changing protein sequence and it might alter its composition and physico-chemical properties. Multiple lines of computational evidence (Polyphen - Damaging, SIFT - Damaging and MutationTaster - Disease causing) predict a damaging effect on protein structure and function for this variant. The amino acid change p.Leu1598Val in KMT2B is predicted as conserved by GERP++ and PhyloP across 100 vertebrates. For these reasons, this variant has been classified as Uncertain Significance.